The following is an entry in ClinVar:

ClinVar aggregate classification (germline): Likely pathogenic (1 of 4 stars; one submission).

Conditions:
Diencephalic-mesencephalic junction dysplasia syndrome 1 (DMJDS1). Also called: Microcephaly with spastic quadriplegia. Identifiers: MedGen C4538630, MONDO:0009625, OMIM 251280.

Submission:

Juno Genomics, Hangzhou Juno Genomics, Inc
Classification: Likely pathogenic for Diencephalic-mesencephalic junction dysplasia syndrome 1. Review status: criteria provided, single submitter. Criteria: ACMG Guidelines, 2015. Collection method: clinical testing. Allele origin: germline.
Comment: Null variant in a gene where loss of function (LOF) is a known mechanism of disease.;Absent from controls (or at extremely low frequency if recessive) in Genome Aggregation Database.

NM_016580.4(PCDH12):c.280C>T (p.Arg94Ter)

Genes: PCDH12 (protocadherin 12; minus strand), RNF14 (ring finger protein 14; plus strand). Cytogenetic location: 5q31.3.
Variant type: single nucleotide variant.
Coding change: c.280C>T on transcript NM_016580.4 (MANE Select); coding-DNA position 280, C replaced by T.
Protein change: p.Arg94Ter; replaces arginine 94 with a stop codon.
Molecular consequence: nonsense.
Genome position (GRCh38, 1-based): chr5:141,957,572, G>A on the plus strand (C>T on the coding strand, the complement: PCDH12 is on the minus strand). VCF-style: chr5-141957572-G-A. GRCh37 (hg19) VCF-style: chr5-141337137-G-A.
Other names: short protein forms R94*.
Identifiers: ClinVar variation 4884672 (VCV004884672.2).